The following is an entry in ClinVar:

ClinVar aggregate classification (germline): Uncertain significance (1 of 4 stars; one submission).

gnomAD v4.1: 68 of 1,613,596 alleles (0.0042%); highest among the groups gnomAD compares: Non-Finnish European, 0.0056%; no homozygotes.

Submission:

CeGaT Center for Human Genetics Tuebingen
Classification: Uncertain significance. Last evaluated: 2024-08-01. Review status: criteria provided, single submitter. Criteria: CeGaT Center For Human Genetics Tuebingen Variant Classification Criteria Version 2. Collection method: clinical testing. Allele origin: germline. Affected: yes. Observed: 1 variant allele.
Comment: VPS16: PM2, PM3:Supporting

NM_022575.4(VPS16):c.900-9C>G

Gene: VPS16 (VPS16 core subunit of CORVET and HOPS complexes; plus strand). Cytogenetic location: 20p13.
Variant type: single nucleotide variant.
Coding change: c.900-9C>G on transcript NM_022575.4 (MANE Select); 9 bases into the intron before coding-DNA position 900, C replaced by G.
Molecular consequence: intron variant.
Genome position (GRCh38, 1-based): chr20:2,861,796, C>G. VCF-style: chr20-2861796-C-G. GRCh37 (hg19) VCF-style: chr20-2842442-C-G.
Other names: c.899+92C>G (NM_080413.3).
Identifiers: ClinVar variation 3342194 (VCV003342194.16).